The following is an entry in ClinVar:

ClinVar aggregate classification (germline): Uncertain significance (1 of 4 stars; one submission).

Conditions:
Bethlem myopathy 1A. Also called: MYOPATHY, BENIGN CONGENITAL, WITH CONTRACTURES; Bethlem myopathy 1; Bethlem Muscular Dystrophy. Identifiers: Orphanet 610, MedGen CN029274, MONDO:0024530, OMIM 158810.

gnomAD v4.1: 38 of 1,614,054 alleles (0.0024%); highest among the groups gnomAD compares: Non-Finnish European, 0.0028%; no homozygotes.

Submission:

Labcorp Genetics (formerly Invitae), Labcorp
Classification: Uncertain significance for Bethlem myopathy 1A. Last evaluated: 2025-08-27. Review status: criteria provided, single submitter. Criteria: Invitae Variant Classification Sherloc (09022015). Collection method: clinical testing. Allele origin: germline.
Comment: This sequence change replaces tyrosine, which is neutral and polar, with cysteine, which is neutral and slightly polar, at codon 725 of the COL6A3 protein (p.Tyr725Cys). This variant is present in population databases (rs373247612, gnomAD 0.002%). This variant has not been reported in the literature in individuals affected with COL6A3-related conditions. Invitae Evidence Modeling of protein sequence and biophysical properties (such as structural, functional, and spatial information, amino acid conservation, physicochemical variation, residue mobility, and thermodynamic stability) indicates that this missense variant is not expected to disrupt COL6A3 protein function with a negative predictive value of 95%. In summary, the available evidence is currently insufficient to determine the role of this variant in disease. Therefore, it has been classified as a Variant of Uncertain Significance.

NM_004369.4(COL6A3):c.2174A>G (p.Tyr725Cys)

Gene: COL6A3 (collagen type VI alpha 3 chain; minus strand). Cytogenetic location: 2q37.3.
Variant type: single nucleotide variant.
Coding change: c.2174A>G on transcript NM_004369.4 (MANE Select); coding-DNA position 2174, A replaced by G.
Protein change: p.Tyr725Cys; replaces tyrosine 725 with cysteine.
Molecular consequence: missense variant. On other transcripts: intron variant (1).
Genome position (GRCh38, 1-based): chr2:237,378,959, T>C on the plus strand (A>G on the coding strand, the complement: COL6A3 is on the minus strand). VCF-style: chr2-237378959-T-C. GRCh37 (hg19) VCF-style: chr2-238287602-T-C.
Other names: c.953A>G, p.Tyr318Cys (NM_057164.5); c.1556A>G, p.Tyr519Cys (NM_057165.5, NM_057167.4); c.677-1615A>G (NM_057166.5); short protein forms Y318C, Y519C, Y725C.
Identifiers: ClinVar variation 4805367 (VCV004805367.1).